The following is an entry in ClinVar:

NM_018943.3(TUBA8):c.107T>C (p.Phe36Ser)

Gene: TUBA8 (tubulin alpha 8; plus strand). Cytogenetic location: 22q11.21.
Variant type: single nucleotide variant.
Coding change: c.107T>C on transcript NM_018943.3 (MANE Select); coding-DNA position 107, T replaced by C.
Protein change: p.Phe36Ser; replaces phenylalanine 36 with serine.
Molecular consequence: missense variant. On other transcripts: 5 prime UTR variant (1).
Genome position (GRCh38, 1-based): chr22:18,121,582, T>C. VCF-style: chr22-18121582-T-C. GRCh37 (hg19) VCF-style: chr22-18604349-T-C.
Other names: c.-92T>C (NM_001193414.2); short protein forms F36S.
Identifiers: ClinVar variation 1965599 (VCV001965599.5), dbSNP rs2517703190, ClinGen allele CA410261556.

ClinVar aggregate classification (germline): Uncertain significance (1 of 4 stars; one submission).

Allele frequency attached by ClinVar (database versions not stated): gnomAD exomes below 0.00001.
gnomAD v4.1: 1 of 1,614,224 alleles (0.000062%); highest among the groups gnomAD compares: African/African-American, 0.0013%; no homozygotes.

Submission:

Labcorp Genetics (formerly Invitae), Labcorp
Classification: Uncertain significance. Last evaluated: 2023-07-10. Review status: criteria provided, single submitter. Criteria: Invitae Variant Classification Sherloc (09022015). Collection method: clinical testing. Allele origin: germline.
Comment: This variant has not been reported in the literature in individuals affected with TUBA8-related conditions. This variant is not present in population databases (gnomAD no frequency). This sequence change replaces phenylalanine, which is neutral and non-polar, with serine, which is neutral and polar, at codon 36 of the TUBA8 protein (p.Phe36Ser). ClinVar contains an entry for this variant (Variation ID: 1965599). In summary, the available evidence is currently insufficient to determine the role of this variant in disease. Therefore, it has been classified as a Variant of Uncertain Significance. Advanced modeling of protein sequence and biophysical properties (such as structural, functional, and spatial information, amino acid conservation, physicochemical variation, residue mobility, and thermodynamic stability) performed at Invitae indicates that this missense variant is not expected to disrupt TUBA8 protein function.